The following is an entry in ClinVar:

NM_001267550.2(TTN):c.77035A>C (p.Asn25679His)

Genes: TTN (titin; minus strand), TTN-AS1 (TTN antisense RNA 1; plus strand). Cytogenetic location: 2q31.2.
Variant type: single nucleotide variant.
Coding change: c.77035A>C on transcript NM_001267550.2 (MANE Select); coding-DNA position 77035, A replaced by C.
Protein change: p.Asn25679His; replaces asparagine 25679 with histidine.
Molecular consequence: missense variant.
Genome position (GRCh38, 1-based): chr2:178,569,097, T>G on the plus strand (A>C on the coding strand, the complement: TTN is on the minus strand). VCF-style: chr2-178569097-T-G. GRCh37 (hg19) VCF-style: chr2-179433824-T-G.
Other names: c.69331A>C, p.Asn23111His (NM_133378.4); c.72112A>C, p.Asn24038His (NM_001256850.1); c.49840A>C, p.Asn16614His (NM_003319.4); c.50215A>C, p.Asn16739His (NM_133432.3); c.50416A>C, p.Asn16806His (NM_133437.4); c.77035A>C (NM_001267550.1); short protein forms N25679H, N23111H, N24038H, N16739H, N16806H, N16614H.
Identifiers: ClinVar variation 220853 (VCV000220853.8), dbSNP rs770512378, ClinGen allele CA348845.

ClinVar aggregate classification (germline): Uncertain significance. Review status: criteria provided, multiple submitters, no conflicts (2 of 4 stars). 3 submissions from 3 submitters: Uncertain significance (3). Last evaluated 2023-02-13.

Conditions:
Dilated cardiomyopathy 1G (CMD1G). Identifiers: Orphanet 154, MedGen C1858763, MONDO:0011400, OMIM 604145.
Autosomal recessive limb-girdle muscular dystrophy type 2J (LGMDR10). Also called: Limb-girdle muscular dystrophy, type 2J; MUSCULAR DYSTROPHY, LIMB-GIRDLE, AUTOSOMAL RECESSIVE 10. Identifiers: Orphanet 140922, MedGen C1837342, MONDO:0012127, OMIM 608807.

Allele frequency attached by ClinVar (database versions not stated): ExAC 0.00001; gnomAD 0.00001; gnomAD exomes 0.00002.
gnomAD v4.1: 28 of 1,613,326 alleles (0.0017%); highest among the groups gnomAD compares: Middle Eastern, 0.049%; no homozygotes.

Submissions (3):

GeneDx
Classification: Uncertain significance. Last evaluated: 2023-02-13. Review status: criteria provided, single submitter. Criteria: GeneDx Variant Classification Process June 2021. Collection method: clinical testing. Allele origin: germline. Affected: yes.
Comment: Not observed at significant frequency in large population cohorts (gnomAD); Missense variant in a gene in which most reported pathogenic variants are truncating/loss of function; Has not been previously published as pathogenic or benign to our knowledge

Laboratory for Molecular Medicine, Mass General Brigham Personalized Medicine
Classification: Uncertain significance. Last evaluated: 2017-05-09. Review status: criteria provided, single submitter. Criteria: LMM Criteria. Collection method: clinical testing. Allele origin: germline. Observed: 2 variant alleles.
Comment: The p.Asn23111His variant in TTN has not been previously reported in individuals with cardiomyopathy, but has been identified in 4/125996 European chromosomes b y the genome Aggregation Database (gnomAD; db SNP rs770512378). This variant has been reported in ClinVar (Variation ID: 22085 3) as of uncertain significance. Please note that for diseases with clinical var iability, reduced penetrance, or recessive inheritance, pathogenic variants may be present at a low frequency in the general population. Computational predictio n tools and conservation analysis suggest that the p.Asn23111His variant may imp act the protein, though this information is not predictive enough to determine p athogenicity. In summary, the clinical significance of the p.Asn23111His variant is uncertain.

Labcorp Genetics (formerly Invitae), Labcorp
Classification: Uncertain significance for Dilated cardiomyopathy 1G; Autosomal recessive limb-girdle muscular dystrophy type 2J. Last evaluated: 2015-10-29. Review status: criteria provided, single submitter. Criteria: Invitae Variant Classification Sherloc (09022015). Collection method: clinical testing. Allele origin: germline.